The following is an entry in ClinVar:

ClinVar aggregate classification (germline): Uncertain significance (1 of 4 stars; one submission).

Allele frequency attached by ClinVar (database versions not stated): 1000 Genomes Project 30x 0.00016.
gnomAD v4.1: 18 of 1,613,514 alleles (0.0011%); highest among the groups gnomAD compares: African/African-American, 0.023%; no homozygotes.

Submission:

Labcorp Genetics (formerly Invitae), Labcorp
Classification: Uncertain significance. Last evaluated: 2022-11-15. Review status: criteria provided, single submitter. Criteria: Invitae Variant Classification Sherloc (09022015). Collection method: clinical testing. Allele origin: germline.
Comment: In summary, the available evidence is currently insufficient to determine the role of this variant in disease. Therefore, it has been classified as a Variant of Uncertain Significance. Algorithms developed to predict the effect of missense changes on protein structure and function output the following: SIFT: "Tolerated"; PolyPhen-2: "Benign"; Align-GVGD: "Class C0". The serine amino acid residue is found in multiple mammalian species, which suggests that this missense change does not adversely affect protein function. ClinVar contains an entry for this variant (Variation ID: 1056666). This variant has not been reported in the literature in individuals affected with KIAA1549-related conditions. This variant is present in population databases (rs59985563, gnomAD 0.03%). This sequence change replaces threonine, which is neutral and polar, with serine, which is neutral and polar, at codon 364 of the KIAA1549 protein (p.Thr364Ser).

NM_001164665.2(KIAA1549):c.1090A>T (p.Thr364Ser)

Gene: KIAA1549 (KIAA1549; minus strand). Cytogenetic location: 7q34.
Variant type: single nucleotide variant.
Coding change: c.1090A>T on transcript NM_001164665.2 (MANE Select); coding-DNA position 1090, A replaced by T.
Protein change: p.Thr364Ser; replaces threonine 364 with serine.
Molecular consequence: missense variant.
Genome position (GRCh38, 1-based): chr7:138,918,536, T>A on the plus strand (A>T on the coding strand, the complement: KIAA1549 is on the minus strand). VCF-style: chr7-138918536-T-A. GRCh37 (hg19) VCF-style: chr7-138603282-T-A.
Other names: c.1090A>T, p.Thr364Ser (NM_020910.3); short protein forms T364S.
Identifiers: ClinVar variation 1056666 (VCV001056666.7), dbSNP rs59985563, ClinGen allele CA4506802.